The following is an entry in ClinVar:

ClinVar aggregate classification (germline): Conflicting classifications of pathogenicity. Review status: criteria provided, conflicting classifications (1 of 4 stars). 2 submissions from 2 submitters: Uncertain significance (1); Likely benign (1). Last evaluated 2025-02-20.

Submissions (2):

Labcorp Genetics (formerly Invitae), Labcorp
Classification: Uncertain significance. Last evaluated: 2025-02-20. Review status: criteria provided, single submitter. Criteria: Invitae Variant Classification Sherloc (09022015). Collection method: clinical testing. Allele origin: germline.
Comment: This sequence change affects codon 234 of the CDH2 mRNA. It is a 'silent' change, meaning that it does not change the encoded amino acid sequence of the CDH2 protein. It affects a nucleotide within the consensus splice site. This variant is not present in population databases (gnomAD no frequency). This variant has not been reported in the literature in individuals affected with CDH2-related conditions. Algorithms developed to predict the effect of sequence changes on RNA splicing suggest that this variant is not likely to affect RNA splicing. In summary, the available evidence is currently insufficient to determine the role of this variant in disease. Therefore, it has been classified as a Variant of Uncertain Significance.

Blueprint Genetics
Classification: Likely benign. Last evaluated: 2022-02-01. Review status: criteria provided, single submitter. Criteria: ACMG Guidelines, 2015. Collection method: clinical testing. Allele origin: germline.

NM_001792.5(CDH2):c.702T>C (p.His234=)

Gene: CDH2 (cadherin 2; minus strand). Cytogenetic location: 18q12.1.
Variant type: single nucleotide variant.
Coding change: c.702T>C on transcript NM_001792.5 (MANE Select); coding-DNA position 702, T replaced by C.
Protein change: p.His234=; no amino-acid change (histidine 234 retained).
Molecular consequence: synonymous variant.
Genome position (GRCh38, 1-based): chr18:28,009,717, A>G on the plus strand (T>C on the coding strand, the complement: CDH2 is on the minus strand). VCF-style: chr18-28009717-A-G. GRCh37 (hg19) VCF-style: chr18-25589681-A-G.
Other names: c.609T>C, p.His203= (NM_001308176.2).
Identifiers: ClinVar variation 4699891 (VCV004699891.2).